The following is an entry in ClinVar:

ClinVar aggregate classification (germline): Uncertain significance. Review status: criteria provided, multiple submitters, no conflicts (2 of 4 stars). 2 submissions from 2 submitters: Uncertain significance (2). Last evaluated 2023-05-15.

Conditions:
Alstrom syndrome (ALMS). Identifiers: Orphanet 64, MedGen C0268425, MONDO:0008763, OMIM 203800.

Allele frequency attached by ClinVar (database versions not stated): gnomAD exomes below 0.00001; TOPMed 0.00002; gnomAD 0.00003.
gnomAD v4.1: 5 of 1,608,652 alleles (0.00031%); highest among the groups gnomAD compares: African/African-American, 0.0067%; no homozygotes.

Submissions (2):

Labcorp Genetics (formerly Invitae), Labcorp
Classification: Uncertain significance for Alstrom syndrome. Last evaluated: 2023-05-15. Review status: criteria provided, single submitter. Criteria: Invitae Variant Classification Sherloc (09022015). Collection method: clinical testing. Allele origin: germline.
Comment: In summary, the available evidence is currently insufficient to determine the role of this variant in disease. Therefore, it has been classified as a Variant of Uncertain Significance. Experimental studies and prediction algorithms are not available or were not evaluated, and the functional significance of this variant is currently unknown. ClinVar contains an entry for this variant (Variation ID: 1044637). This variant has not been reported in the literature in individuals affected with ALMS1-related conditions. This variant is present in population databases (no rsID available, gnomAD 0.01%). This sequence change replaces proline, which is neutral and non-polar, with leucine, which is neutral and non-polar, at codon 1867 of the ALMS1 protein (p.Pro1867Leu).

Fulgent Genetics
Classification: Uncertain significance for Alstrom syndrome. Last evaluated: 2022-02-07. Review status: criteria provided, single submitter. Criteria: ACMG Guidelines, 2015. Collection method: clinical testing. Allele origin: unknown.

NM_001378454.1(ALMS1):c.5597C>T (p.Pro1866Leu)

Gene: ALMS1 (ALMS1 centrosome and basal body associated protein; plus strand). Cytogenetic location: 2p13.1.
Variant type: single nucleotide variant.
Coding change: c.5597C>T on transcript NM_001378454.1 (MANE Select); coding-DNA position 5597, C replaced by T.
Protein change: p.Pro1866Leu; replaces proline 1866 with leucine.
Molecular consequence: missense variant.
Genome position (GRCh38, 1-based): chr2:73,452,124, C>T. VCF-style: chr2-73452124-C-T. GRCh37 (hg19) VCF-style: chr2-73679251-C-T.
Other names: c.5600C>T, p.Pro1867Leu (NM_015120.4); short protein forms P1867L, P1866L.
Identifiers: ClinVar variation 1044637 (VCV001044637.5), dbSNP rs1323058030, ClinGen allele CA347282694.